The following is an entry in ClinVar:

NM_000191.3(HMGCL):c.348+1G>A

Gene: HMGCL (3-hydroxy-3-methylglutaryl-CoA lyase; minus strand). Cytogenetic location: 1p36.11.
Variant type: single nucleotide variant.
Coding change: c.348+1G>A on transcript NM_000191.3 (MANE Select); the canonical splice donor site of the intron after coding-DNA position 348, G replaced by A.
Molecular consequence: splice donor variant.
Genome position (GRCh38, 1-based): chr1:23,816,674, C>T on the plus strand (G>A on the coding strand, the complement: HMGCL is on the minus strand). VCF-style: chr1-23816674-C-T. GRCh37 (hg19) VCF-style: chr1-24143164-C-T.
Other names: c.348+1G>A (NM_001166059.2).
Identifiers: ClinVar variation 1500087 (VCV001500087.8), dbSNP rs1322650779, ClinGen allele CA339028442.
Genomic context (GRCh38, chr1:23,816,674, plus strand): 5'-GGCAGGGACCAATGCCATCAATCTCATTTCAGGAGCCCCCACCAACAAGCTATCCTCTTA[C>T]CGCTGCCTCGAAGCCTTTCAAATTTGGGGTCAGGACTGGGTAGTTGATGCCAGGAAACTT-3'

ClinVar aggregate classification (germline): Likely pathogenic (1 of 4 stars; one submission).

Conditions:
Deficiency of hydroxymethylglutaryl-CoA lyase (HMGCLD). Also called: HMG-CoA LYASE DEFICIENCY; HMGCL DEFICIENCY; HYDROXYMETHYLGLUTARIC ACIDURIA; Defect in leucine metabolism; 3-hydroxy-3-methylglutaric aciduria. Identifiers: Orphanet 20, MedGen C1533587, MONDO:0009520, OMIM 246450.

gnomAD v4.1: 4 of 1,586,890 alleles (0.00025%); highest among the groups gnomAD compares: Non-Finnish European, 0.00035%; no homozygotes.

Submission:

Labcorp Genetics (formerly Invitae), Labcorp
Classification: Likely pathogenic for Deficiency of hydroxymethylglutaryl-CoA lyase. Last evaluated: 2020-12-05. Review status: criteria provided, single submitter. Criteria: Invitae Variant Classification Sherloc (09022015). Collection method: clinical testing. Allele origin: germline.
Comment: In summary, the currently available evidence indicates that the variant is pathogenic, but additional data are needed to prove that conclusively. Therefore, this variant has been classified as Likely Pathogenic. Algorithms developed to predict the effect of sequence changes on RNA splicing suggest that this variant may disrupt the consensus splice site, but this prediction has not been confirmed by published transcriptional studies. This variant has not been reported in the literature in individuals with HMGCL-related conditions. This variant is not present in population databases (ExAC no frequency). This sequence change affects a donor splice site in intron 4 of the HMGCL gene. It is expected to disrupt RNA splicing. Variants that disrupt the donor or acceptor splice site typically lead to a loss of protein function (PMID: 16199547), and loss-of-function variants in HMGCL are known to be pathogenic (PMID: 9817922, 17692550, 23465862).

Literature cited by the submitters: PubMed 16199547; PubMed 9817922; PubMed 17692550; PubMed 23465862.